The following is an entry in ClinVar:

ClinVar aggregate classification (germline): Uncertain significance (1 of 4 stars; one submission).

gnomAD v4.1: 4 of 1,613,634 alleles (0.00025%); highest among the groups gnomAD compares: South Asian, 0.0044%; no homozygotes.

Submission:

Labcorp Genetics (formerly Invitae), Labcorp
Classification: Uncertain significance. Last evaluated: 2023-03-08. Review status: criteria provided, single submitter. Criteria: Invitae Variant Classification Sherloc (09022015). Collection method: clinical testing. Allele origin: germline.
Comment: Advanced modeling of protein sequence and biophysical properties (such as structural, functional, and spatial information, amino acid conservation, physicochemical variation, residue mobility, and thermodynamic stability) performed at Invitae indicates that this missense variant is not expected to disrupt RP1L1 protein function. This variant has not been reported in the literature in individuals affected with RP1L1-related conditions. This variant is present in population databases (no rsID available, gnomAD 0.003%). This sequence change replaces glutamine, which is neutral and polar, with histidine, which is basic and polar, at codon 127 of the RP1L1 protein (p.Gln127His). In summary, the available evidence is currently insufficient to determine the role of this variant in disease. Therefore, it has been classified as a Variant of Uncertain Significance.

NM_178857.6(RP1L1):c.381G>C (p.Gln127His)

Gene: RP1L1 (RP1 like 1). Cytogenetic location: 8p23.1.
Variant type: single nucleotide variant.
Coding change: c.381G>C on transcript NM_178857.6 (MANE Select); coding-DNA position 381, G replaced by C.
Protein change: p.Gln127His; replaces glutamine 127 with histidine.
Molecular consequence: missense variant.
Genome position (GRCh38, 1-based): chr8:10,622,821, C>G on the plus strand (G>C on the coding strand, the complement: RP1L1 is on the minus strand). VCF-style: chr8-10622821-C-G. GRCh37 (hg19) VCF-style: chr8-10480331-C-G.
Other names: short protein forms Q127H.
Identifiers: ClinVar variation 2844090 (VCV002844090.3), dbSNP rs1261398394, ClinGen allele CA370300345.